The following is an entry in ClinVar:

ClinVar aggregate classification (germline): Likely benign. Review status: criteria provided, multiple submitters, no conflicts (2 of 4 stars). 4 submissions from 4 submitters: Likely benign (4). Last evaluated 2025-08-21.

Conditions:
Developmental and epileptic encephalopathy, 18 (DEE18). Also called: Early infantile epileptic encephalopathy 18. Identifiers: Orphanet 369894, MedGen C3809624, MONDO:0014201, OMIM 615476.
Inborn genetic diseases. Identifiers: MedGen C0950123, MeSH D030342.

Allele frequency attached by ClinVar (database versions not stated): ExAC 0.00004; gnomAD exomes 0.00004 and 0.00010; gnomAD 0.00007; TOPMed 0.00007; ESP Exome Variant Server 0.00008.
gnomAD v4.1: 155 of 1,613,882 alleles (0.0096%); highest among the groups gnomAD compares: Non-Finnish European, 0.012%; no homozygotes.

Submissions (4):

Labcorp Genetics (formerly Invitae), Labcorp
Classification: Likely benign. Last evaluated: 2025-08-21. Review status: criteria provided, single submitter. Criteria: Invitae Variant Classification Sherloc (09022015). Collection method: clinical testing. Allele origin: germline.

Genome-Nilou Lab
Classification: Likely benign for Developmental and epileptic encephalopathy, 18. Last evaluated: 2023-04-11. Review status: criteria provided, single submitter. Criteria: ACMG Guidelines, 2015. Collection method: clinical testing. Allele origin: germline. Affected: no.

CeGaT Center for Human Genetics Tuebingen
Classification: Likely benign. Last evaluated: 2023-02-01. Review status: criteria provided, single submitter. Criteria: CeGaT Center For Human Genetics Tuebingen Variant Classification Criteria Version 2. Collection method: clinical testing. Allele origin: germline. Affected: yes. Observed: 1 variant allele.
Comment: SZT2: BP4, BP7

Ambry Genetics
Classification: Likely benign for Inborn genetic diseases. Last evaluated: 2018-04-05. Review status: criteria provided, single submitter. Criteria: Ambry Variant Classification Scheme 2023. Collection method: clinical testing. Allele origin: germline.

NM_001365999.1(SZT2):c.3489G>A (p.Lys1163=)

Gene: SZT2 (SZT2 subunit of KICSTOR complex; plus strand). Cytogenetic location: 1p34.2.
Variant type: single nucleotide variant.
Coding change: c.3489G>A on transcript NM_001365999.1 (MANE Select); coding-DNA position 3489, G replaced by A.
Protein change: p.Lys1163=; no amino-acid change (lysine 1163 retained).
Molecular consequence: synonymous variant.
Genome position (GRCh38, 1-based): chr1:43,427,336, G>A. VCF-style: chr1-43427336-G-A. GRCh37 (hg19) VCF-style: chr1-43893007-G-A.
Other names: c.3318G>A, p.Lys1106= (NM_015284.4).
Identifiers: ClinVar variation 699294 (VCV000699294.34), dbSNP rs149793909, ClinGen allele CA809006.